The following is an entry in ClinVar:

NM_014727.3(KMT2B):c.1753C>T (p.Arg585Cys)

Gene: KMT2B (lysine methyltransferase 2B; plus strand). Cytogenetic location: 19q13.12.
Variant type: single nucleotide variant.
Coding change: c.1753C>T on transcript NM_014727.3 (MANE Select); coding-DNA position 1753, C replaced by T.
Protein change: p.Arg585Cys; replaces arginine 585 with cysteine.
Molecular consequence: missense variant.
Genome position (GRCh38, 1-based): chr19:35,721,100, C>T. VCF-style: chr19-35721100-C-T. GRCh37 (hg19) VCF-style: chr19-36212002-C-T.
Other names: short protein forms R585C.
Identifiers: ClinVar variation 3385029 (VCV003385029.3).

ClinVar aggregate classification (germline): Conflicting classifications of pathogenicity. Review status: criteria provided, conflicting classifications (1 of 4 stars). 2 submissions from 2 submitters: Uncertain significance (1); Likely benign (1). Last evaluated 2024-10-11.

gnomAD v4.1: 9 of 1,610,760 alleles (0.00056%); highest among the groups gnomAD compares: Middle Eastern, 0.016%; no homozygotes.

Submissions (2):

Labcorp Genetics (formerly Invitae), Labcorp
Classification: Likely benign. Last evaluated: 2024-10-11. Review status: criteria provided, single submitter. Criteria: Invitae Variant Classification Sherloc (09022015). Collection method: clinical testing. Allele origin: germline.

Women's Health and Genetics/Laboratory Corporation of America, LabCorp
Classification: Uncertain significance. Last evaluated: 2024-10-01. Review status: criteria provided, single submitter. Criteria: LabCorp Variant Classification Summary - May 2015. Collection method: clinical testing. Allele origin: germline.
Comment: Variant summary: KMT2B c.1753C>T (p.Arg585Cys) results in a non-conservative amino acid change in the encoded protein sequence. Three of five in-silico tools predict a benign effect of the variant on protein function. The variant allele was found at a frequency of 4.1e-06 in 243508 control chromosomes. The available data on variant occurrences in the general population are insufficient to allow any conclusion about variant significance. To our knowledge, no occurrence of c.1753C>T in individuals affected with Dystonia 28, Childhood-Onset and no experimental evidence demonstrating its impact on protein function have been reported. No submitters have cited clinical-significance assessments for this variant to ClinVar. Based on the evidence outlined above, the variant was classified as uncertain significance.